The following is an entry in ClinVar:

NM_000198.4(HSD3B2):c.347T>G (p.Val116Gly)

Gene: HSD3B2 (hydroxy-delta-5-steroid dehydrogenase, 3 beta- and steroid delta-isomerase 2; plus strand). Cytogenetic location: 1p12.
Variant type: single nucleotide variant.
Coding change: c.347T>G on transcript NM_000198.4 (MANE Select); coding-DNA position 347, T replaced by G.
Protein change: p.Val116Gly; replaces valine 116 with glycine.
Molecular consequence: missense variant.
Genome position (GRCh38, 1-based): chr1:119,421,848, T>G. VCF-style: chr1-119421848-T-G. GRCh37 (hg19) VCF-style: chr1-119964471-T-G.
Other names: c.347T>G, p.Val116Gly (NM_001166120.2); short protein forms V116G.
Identifiers: ClinVar variation 2674656 (VCV002674656.1), dbSNP rs2526391280, ClinGen allele CA341396013.

ClinVar aggregate classification (germline): Likely pathogenic (1 of 4 stars; one submission).

Conditions:
3 beta-Hydroxysteroid dehydrogenase deficiency. Also called: 3-BETA-HSD DEFICIENCY; ADRENAL HYPERPLASIA II; Congenital adrenal hyperplasia due to 3-beta-hydroxysteroid dehydrogenase deficiency; 3b-hydroxysteroid dehydrogenase deficiency; ADRENAL HYPERPLASIA, CONGENITAL, DUE TO 3-BETA-HYDROXYSTEROID DEHYDROGENASE 2 DEFICIENCY. Identifiers: Orphanet 90791, MedGen C0342471, MeSH C538236, MONDO:0008727, OMIM 201810. Disease mechanism: loss of function.

Submission:

Clinical Biochemistry Laboratory, Health Services Laboratory
Classification: Likely pathogenic for 3 beta-Hydroxysteroid dehydrogenase deficiency. Last evaluated: 2023-11-20. Review status: criteria provided, single submitter. Criteria: ACMG Guidelines, 2015. Collection method: clinical testing. Allele origin: germline. Affected: yes.
Comment: ACMG:PM1 PM2 PP3 PP4